The following is an entry in ClinVar:

ClinVar aggregate classification (germline): Uncertain significance. Review status: criteria provided, multiple submitters, no conflicts (2 of 4 stars). 3 submissions from 3 submitters: Uncertain significance (3). Last evaluated 2025-06-26.

Conditions:
Nephrolithiasis/nephrocalcinosis. Identifiers: MedGen CN580796.
Lowe syndrome (OCRL). Also called: LOWE OCULOCEREBRORENAL SYNDROME; PHOSPHATIDYLINOSITOL 4,5-BISPHOSPHATE 5-PHOSPHATASE DEFICIENCY; Oculocerebrorenal Syndrome. Identifiers: Orphanet 534, MedGen C0028860, MONDO:0010645, OMIM 309000.

Allele frequency attached by ClinVar (database versions not stated): ExAC 0.00001; ESP Exome Variant Server 0.00009.
gnomAD v4.1: 7 of 1,208,458 alleles (0.00058%); highest among the groups gnomAD compares: Non-Finnish European, 0.00078%; no homozygotes.

Submissions (3):

Women's Health and Genetics/Laboratory Corporation of America, LabCorp
Classification: Uncertain significance. Last evaluated: 2025-06-26. Review status: criteria provided, single submitter. Criteria: LabCorp Variant Classification Summary - May 2015. Collection method: clinical testing. Allele origin: germline.
Comment: Variant summary: OCRL c.74G>C (p.Arg25Pro) results in a non-conservative amino acid change in the encoded protein sequence. Algorithms developed to predict the effect of missense changes on protein structure and function all suggest that this variant is likely to be disruptive. The variant allele was found at a frequency of 5.5e-06 in 183337 control chromosomes. The available data on variant occurrences in the general population are insufficient to allow any conclusion about variant significance. To our knowledge, no occurrence of c.74G>C in individuals affected with Dent Disease and no experimental evidence demonstrating its impact on protein function have been reported. ClinVar contains an entry for this variant (Variation ID: 2779810). Based on the evidence outlined above, the variant was classified as uncertain significance.

Ambry Genetics
Classification: Uncertain significance for Nephrolithiasis/nephrocalcinosis. Last evaluated: 2024-12-12. Review status: criteria provided, single submitter. Criteria: Ambry Variant Classification Scheme 2023. Collection method: clinical testing. Allele origin: germline.

Labcorp Genetics (formerly Invitae), Labcorp
Classification: Uncertain significance for Lowe syndrome. Last evaluated: 2023-12-09. Review status: criteria provided, single submitter. Criteria: Invitae Variant Classification Sherloc (09022015). Collection method: clinical testing. Allele origin: germline.
Comment: This sequence change replaces arginine, which is basic and polar, with proline, which is neutral and non-polar, at codon 25 of the OCRL protein (p.Arg25Pro). This variant is present in population databases (rs368472232, gnomAD 0.001%). This variant has not been reported in the literature in individuals affected with OCRL-related conditions. Advanced modeling of protein sequence and biophysical properties (such as structural, functional, and spatial information, amino acid conservation, physicochemical variation, residue mobility, and thermodynamic stability) performed at Invitae indicates that this missense variant is not expected to disrupt OCRL protein function with a negative predictive value of 95%. In summary, the available evidence is currently insufficient to determine the role of this variant in disease. Therefore, it has been classified as a Variant of Uncertain Significance.

NM_000276.4(OCRL):c.74G>C (p.Arg25Pro)

Gene: OCRL (OCRL inositol polyphosphate-5-phosphatase; plus strand). Cytogenetic location: Xq26.1.
Variant type: single nucleotide variant.
Coding change: c.74G>C on transcript NM_000276.4 (MANE Select); coding-DNA position 74, G replaced by C.
Protein change: p.Arg25Pro; replaces arginine 25 with proline.
Molecular consequence: missense variant.
Genome position (GRCh38, 1-based): chrX:129,540,778, G>C. VCF-style: chrX-129540778-G-C. GRCh37 (hg19) VCF-style: chrX-128674755-G-C.
Other names: c.74G>C (NM_000276.3); c.77G>C, p.Arg26Pro (NM_001318784.2); c.74G>C, p.Arg25Pro (NM_001587.4); short protein forms R25P, R26P.
Identifiers: ClinVar variation 2779810 (VCV002779810.5), dbSNP rs368472232, ClinGen allele CA10511922.